The following is an entry in ClinVar:

NM_000051.4(ATM):c.7132G>A (p.Glu2378Lys)

Genes: ATM (ATM serine/threonine kinase; plus strand), C11orf65 (chromosome 11 open reading frame 65; minus strand). Cytogenetic location: 11q22.3.
Variant type: single nucleotide variant.
Coding change: c.7132G>A on transcript NM_000051.4 (MANE Select); coding-DNA position 7132, G replaced by A.
Protein change: p.Glu2378Lys; replaces glutamic acid 2378 with lysine.
Molecular consequence: missense variant. On other transcripts: intron variant (2).
Genome position (GRCh38, 1-based): chr11:108,329,063, G>A. VCF-style: chr11-108329063-G-A. GRCh37 (hg19) VCF-style: chr11-108199790-G-A.
Other names: c.*38+6157C>T (NM_001351110.2); c.7132G>A, p.Glu2378Lys (NM_001351834.2); c.641-19992C>T (NM_001330368.2); short protein forms E2378K.
Identifiers: ClinVar variation 2447493 (VCV002447493.2), dbSNP rs2136412670, ClinGen allele CA382559470.

ClinVar aggregate classification (germline): Uncertain significance (1 of 4 stars; one submission).

Conditions:
Hereditary cancer-predisposing syndrome. Also called: Tumor predisposition; Hereditary Cancer Syndrome; Hereditary neoplastic syndrome; Neoplastic Syndromes, Hereditary. Identifiers: Orphanet 140162, MedGen C0027672, MeSH D009386, MONDO:0015356.

Submission:

Ambry Genetics
Classification: Uncertain significance for Hereditary cancer-predisposing syndrome. Last evaluated: 2023-03-02. Review status: criteria provided, single submitter. Criteria: Ambry Variant Classification Scheme 2023. Collection method: clinical testing. Allele origin: germline.
Comment: The p.E2378K variant (also known as c.7132G>A), located in coding exon 48 of the ATM gene, results from a G to A substitution at nucleotide position 7132. The glutamic acid at codon 2378 is replaced by lysine, an amino acid with similar properties. This amino acid position is conserved. In addition, this alteration is predicted to be tolerated by in silico analysis. Since supporting evidence is limited at this time, the clinical significance of this alteration remains unclear.